The following is an entry in ClinVar:

ClinVar aggregate classification (germline): Uncertain significance (1 of 4 stars; one submission).

Conditions:
Inborn genetic diseases. Identifiers: MedGen C0950123, MeSH D030342.

gnomAD v4.1: 5 of 1,613,790 alleles (0.00031%); highest among the groups gnomAD compares: Non-Finnish European, 0.00042%; no homozygotes.

Submission:

Ambry Genetics
Classification: Uncertain significance for Inborn genetic diseases. Last evaluated: 2025-04-05. Review status: criteria provided, single submitter. Criteria: Ambry Variant Classification Scheme 2023. Collection method: clinical testing. Allele origin: germline.
Comment: The p.Q863E variant (also known as c.2587C>G), located in coding exon 21 of the KDM1A gene, results from a C to G substitution at nucleotide position 2587. The glutamine at codon 863 is replaced by glutamic acid, an amino acid with highly similar properties. This amino acid position is conserved. In addition, this alteration is predicted to be tolerated by in silico analysis. Based on the available evidence, the clinical significance of this variant remains unclear.

NM_001009999.3(KDM1A):c.2587C>G (p.Gln863Glu)

Gene: KDM1A (lysine demethylase 1A; plus strand). Cytogenetic location: 1p36.12.
Variant type: single nucleotide variant.
Coding change: c.2587C>G on transcript NM_001009999.3 (MANE Select); coding-DNA position 2587, C replaced by G.
Protein change: p.Gln863Glu; replaces glutamine 863 with glutamic acid.
Molecular consequence: missense variant. On other transcripts: 3 prime UTR variant (1).
Genome position (GRCh38, 1-based): chr1:23,083,320, C>G. VCF-style: chr1-23083320-C-G. GRCh37 (hg19) VCF-style: chr1-23409813-C-G.
Other names: c.2533C>G, p.Gln845Glu (NM_001363654.2); c.2593C>G, p.Gln865Glu (NM_001410762.1); c.*835C>G (NM_001410763.1); c.2515C>G, p.Gln839Glu (NM_015013.4); short protein forms Q845E, Q839E, Q863E, Q865E.
Identifiers: ClinVar variation 4042086 (VCV004042086.1).